The following is an entry in ClinVar:

ClinVar aggregate classification (germline): Uncertain significance (0 of 4 stars; one submission).

Conditions:
NTRK2-related disorder. Also called: NTRK2-related condition.

gnomAD v4.1: 3 of 1,614,136 alleles (0.00019%); highest among the groups gnomAD compares: East Asian, 0.0022%; no homozygotes.

Submission:

PreventionGenetics, part of Exact Sciences
Classification: Uncertain significance for NTRK2-related condition. Last evaluated: 2024-02-16. Review status: no assertion criteria provided. Collection method: clinical testing. Allele origin: germline.
Comment: The NTRK2 c.322C>T variant is predicted to result in the amino acid substitution p.His108Tyr. To our knowledge, this variant has not been reported in the literature or in a large population database, indicating this variant is rare. At this time, the clinical significance of this variant is uncertain due to the absence of conclusive functional and genetic evidence.

NM_006180.6(NTRK2):c.322C>T (p.His108Tyr)

Gene: NTRK2 (neurotrophic receptor tyrosine kinase 2; plus strand). Cytogenetic location: 9q21.33.
Variant type: single nucleotide variant.
Coding change: c.322C>T on transcript NM_006180.6 (MANE Select); coding-DNA position 322, C replaced by T.
Protein change: p.His108Tyr; replaces histidine 108 with tyrosine.
Molecular consequence: missense variant. On other transcripts: 5 prime UTR variant (4).
Genome position (GRCh38, 1-based): chr9:84,702,382, C>T. VCF-style: chr9-84702382-C-T. GRCh37 (hg19) VCF-style: chr9-87317297-C-T.
Other names: c.322C>T, p.His108Tyr (NM_001007097.3, NM_001018064.3, NM_001018065.2 and 18 more transcripts); c.-147C>T (NM_001369535.1, NM_001369536.1, NM_001369550.1 and 1 more transcripts); short protein forms H108Y.
Identifiers: ClinVar variation 3348606 (VCV003348606.1).